The following is an entry in ClinVar:

ClinVar aggregate classification (germline): Pathogenic. Review status: criteria provided, multiple submitters, no conflicts (2 of 4 stars). 11 submissions from 10 submitters: Pathogenic (10). 1 of the submissions does not count toward it. Last evaluated 2025-10-23.

Conditions:
USH2A-related disorder. Also called: USH2A-related disorders; USH2A-related condition. Identifiers: MedGen CN239332.
Retinitis pigmentosa 39 (RP39). Identifiers: Orphanet 791, MedGen C3151138, MONDO:0013436, OMIM 613809.
Usher syndrome type 2A. Also called: USHER SYNDROME, TYPE IIA; RETINAL DISEASE IN USHER SYNDROME TYPE IIA, MODIFIER OF. Identifiers: Orphanet 231178, Orphanet 886, MedGen C1848634, MONDO:0010169, OMIM 276901.
Hearing impairment. Also called: Impaired Hearing. Identifiers: MedGen C1384666, MONDO:0005365, HP:0000365.
Retinal dystrophy. Also called: Inherited retinal dystrophy. Identifiers: Orphanet 71862, MedGen C0854723, MeSH D058499, MONDO:0019118, HP:0000556.

Allele frequency attached by ClinVar (database versions not stated): gnomAD exomes below 0.00001 and 0.00001; ExAC 0.00001; gnomAD 0.00001.
gnomAD v4.1: 13 of 1,613,586 alleles (0.00081%); highest among the groups gnomAD compares: Non-Finnish European, 0.0011%; no homozygotes.

Submissions (11):

Natera, Inc.
Classification: Pathogenic for Usher syndrome type 2A. Last evaluated: 2025-10-23. Review status: criteria provided, single submitter. Criteria: Natera Variant Classification Schema (03/2026). Collection method: clinical testing. Allele origin: germline.
Comment: The c.2168-1G>C variant in USH2A is a canonical splice acceptor site variant predicted to affect pre-mRNA splicing, which may result in an abnormal transcript and altered protein product. This variant is expected to result in nonsense mediated decay, truncation, or a dysfunctional protein product. This variant is rare in the general population with a frequency below the threshold expected for the associated phenotype(s). This variant has been observed in one or more individuals affected with the associated recessive disease, as either homozygous or compound heterozygous with a second variant (PMID: 17405132, 29151245). Additionally, this variant has been observed to segregate in affected family members (PMID: 29151245). Given the available evidence, this variant is classified as Pathogenic.

Myriad Genetics, Inc.
Classification: Pathogenic for USH2A-related disorder. Last evaluated: 2025-08-15. Review status: criteria provided, single submitter. Criteria: Myriad Autosomal Dominant, Autosomal Recessive and X-Linked Classification Criteria (2023). Collection method: clinical testing. Allele origin: unknown.
Comment: NM_206933.2(USH2A):c.2168-1G>C is a variant in a canonical splice site classified as pathogenic in the context of USH2A-related disorders. c.2168-1G>C has been observed in cases with relevant disease (PMID: 31035849, 22009552, 38016437, 34948090, 32531858). Relevant functional assessments of this variant are available in the literature (PMID: 20513143). c.2168-1G>C has been observed in referenced population frequency databases. In summary, NM_206933.2(USH2A):c.2168-1G>C is a variant in a canonical splice site that has been observed more frequently in cases with the relevant disease than in healthy populations. Please note: this variant was assessed in the context of healthy population screening.

Labcorp Genetics (formerly Invitae), Labcorp
Classification: Pathogenic. Last evaluated: 2023-05-15. Review status: criteria provided, single submitter. Criteria: Invitae Variant Classification Sherloc (09022015). Collection method: clinical testing. Allele origin: germline.
Comment: Algorithms developed to predict the effect of sequence changes on RNA splicing suggest that this variant may disrupt the consensus splice site. ClinVar contains an entry for this variant (Variation ID: 556842). Disruption of this splice site has been observed in individuals with USH2A-related conditions (PMID: 17405132, 28559085, 29151245, 31054281). This variant is present in population databases (rs748961218, gnomAD 0.0009%). This sequence change affects an acceptor splice site in intron 12 of the USH2A gene. It is expected to disrupt RNA splicing. Variants that disrupt the donor or acceptor splice site typically lead to a loss of protein function (PMID: 16199547), and loss-of-function variants in USH2A are known to be pathogenic (PMID: 10729113, 10909849, 20507924, 25649381). For these reasons, this variant has been classified as Pathogenic.

Genome-Nilou Lab
Classification: Pathogenic for Retinitis pigmentosa 39. Last evaluated: 2023-04-11. Review status: criteria provided, single submitter. Criteria: ACMG Guidelines, 2015. Collection method: clinical testing. Allele origin: germline. Affected: no.

Genome-Nilou Lab
Classification: Pathogenic for Usher syndrome type 2A. Last evaluated: 2023-04-11. Review status: criteria provided, single submitter. Criteria: ACMG Guidelines, 2015. Collection method: clinical testing. Allele origin: germline. Affected: no.

Laboratory of Molecular Genetics (Pr. Bezieau's lab), CHU de Nantes
Classification: Pathogenic for Usher syndrome type 2A. Last evaluated: 2022-09-06. Review status: criteria provided, single submitter. Criteria: ACMG Guidelines, 2015. Collection method: clinical testing. Allele origin: germline. Affected: yes.

Blueprint Genetics
Classification: Pathogenic for USH2A-related disorders. Last evaluated: 2022-04-01. Review status: criteria provided, single submitter. Criteria: ACMG Guidelines, 2015. Collection method: clinical testing. Allele origin: germline. Affected: yes. Observed: 5 variant alleles.

CeGaT Center for Human Genetics Tuebingen
Classification: Pathogenic. Last evaluated: 2018-09-01. Review status: criteria provided, single submitter. Criteria: CeGaT Center For Human Genetics Tuebingen Variant Classification Criteria Version 2. Collection method: clinical testing. Allele origin: germline. Affected: yes. Observed: 1 variant allele.

Institute of Human Genetics, Univ. Regensburg, Univ. Regensburg
Classification: Pathogenic for Retinal dystrophy. Last evaluated: 2012-01-01. Review status: criteria provided, single submitter. Criteria: ACMG Guidelines, 2015. Collection method: clinical testing. Allele origin: germline. Affected: yes.

Equipe Genetique des Anomalies du Developpement, Université de Bourgogne
Classification: Pathogenic for Hearing impairment. Review status: criteria provided, single submitter. Criteria: ACMG Guidelines, 2015. Collection method: clinical testing. Allele origin: inherited. Affected: yes.

Counsyl
Classification: Pathogenic for Usher syndrome type 2A; Retinitis pigmentosa 39. Last evaluated: 2018-02-21. Review status: no assertion criteria provided. Collection method: clinical testing. Allele origin: unknown. Not counted in ClinVar's aggregate classification.

Literature cited by the submitters: PubMed 17405132 (cited by 4 submitters); PubMed 29151245 (cited by 3 submitters); PubMed 20513143 (cited by Myriad Genetics, Inc.); PubMed 22009552 (cited by Myriad Genetics, Inc.); PubMed 31035849 (cited by Myriad Genetics, Inc.); PubMed 32531858 (cited by Myriad Genetics, Inc. and Institute of Human Genetics, Univ. Regensburg, Univ. Regensburg); PubMed 34948090 (cited by Myriad Genetics, Inc. and Institute of Human Genetics, Univ. Regensburg, Univ. Regensburg); PubMed 38016437 (cited by Myriad Genetics, Inc.); PubMed 28559085 (cited by Labcorp Genetics (formerly Invitae), Labcorp and Institute of Human Genetics, Univ. Regensburg, Univ. Regensburg); PubMed 31054281 (cited by Labcorp Genetics (formerly Invitae), Labcorp and Institute of Human Genetics, Univ. Regensburg, Univ. Regensburg); PubMed 16199547 (cited by Labcorp Genetics (formerly Invitae), Labcorp); PubMed 10729113 (cited by Labcorp Genetics (formerly Invitae), Labcorp); PubMed 10909849 (cited by Labcorp Genetics (formerly Invitae), Labcorp); PubMed 20507924 (cited by Labcorp Genetics (formerly Invitae), Labcorp); PubMed 25649381 (cited by Labcorp Genetics (formerly Invitae), Labcorp); PubMed 31964843 (cited by Institute of Human Genetics, Univ. Regensburg, Univ. Regensburg); PubMed 32037395 (cited by Institute of Human Genetics, Univ. Regensburg, Univ. Regensburg); PubMed 32188678 (cited by Institute of Human Genetics, Univ. Regensburg, Univ. Regensburg); PubMed 36819107 (cited by Institute of Human Genetics, Univ. Regensburg, Univ. Regensburg); PubMed 25366773 (cited by Counsyl); PubMed 18641288 (cited by Counsyl); PubMed 26927203 (cited by Counsyl).

NM_206933.4(USH2A):c.2168-1G>C

Gene: USH2A (usherin; minus strand). Cytogenetic location: 1q41.
Variant type: single nucleotide variant.
Coding change: c.2168-1G>C on transcript NM_206933.4 (MANE Select); the canonical splice acceptor site of the intron before coding-DNA position 2168, G replaced by C.
Molecular consequence: splice acceptor variant.
Genome position (GRCh38, 1-based): chr1:216,247,227, C>G on the plus strand (G>C on the coding strand, the complement: USH2A is on the minus strand). VCF-style: chr1-216247227-C-G. GRCh37 (hg19) VCF-style: chr1-216420569-C-G.
Other names: c.2168-1G>C (NM_007123.6).
Identifiers: ClinVar variation 556842 (VCV000556842.58), dbSNP rs748961218, ClinGen allele CA1396273.